The following is an entry in ClinVar:

NM_000550.3(TYRP1):c.823A>T (p.Thr275Ser)

Gene: TYRP1 (tyrosinase related protein 1; plus strand). Cytogenetic location: 9p23.
Variant type: single nucleotide variant.
Coding change: c.823A>T on transcript NM_000550.3 (MANE Select); coding-DNA position 823, A replaced by T.
Protein change: p.Thr275Ser; replaces threonine 275 with serine.
Molecular consequence: missense variant.
Genome position (GRCh38, 1-based): chr9:12,698,565, A>T. VCF-style: chr9-12698565-A-T. GRCh37 (hg19) VCF-style: chr9-12698565-A-T.
Other names: c.823A>T (NM_000550.2); short protein forms T275S.
Identifiers: ClinVar variation 1378872 (VCV001378872.5), dbSNP rs182508840, ClinGen allele CA4985333.

ClinVar aggregate classification (germline): Conflicting classifications of pathogenicity. Review status: criteria provided, conflicting classifications (1 of 4 stars). 3 submissions from 3 submitters: Uncertain significance (1); Benign (1); Likely benign (1). Last evaluated 2024-11-19.

Conditions:
TYRP1-related disorder. Also called: TYRP1-related condition.

Allele frequency attached by ClinVar (database versions not stated): gnomAD exomes 0.00002 and 0.00014; gnomAD 0.00007; TOPMed 0.00011; 1000 Genomes Project 30x 0.00016.
gnomAD v4.1: 88 of 1,613,764 alleles (0.0055%); highest among the groups gnomAD compares: East Asian, 0.08%; no homozygotes.

Submissions (3):

PreventionGenetics, part of Exact Sciences
Classification: Likely benign for TYRP1-related condition. Last evaluated: 2024-11-19. Review status: criteria provided, single submitter. Criteria: ACMG Guidelines, 2015. Collection method: clinical testing. Allele origin: germline.
Comment: This variant is classified as likely benign based on ACMG/AMP sequence variant interpretation guidelines (Richards et al. 2015 PMID: 25741868, with internal and published modifications).

Blueprint Genetics
Classification: Benign. Last evaluated: 2024-11-15. Review status: criteria provided, single submitter. Criteria: ACMG Guidelines, 2015. Collection method: clinical testing. Allele origin: germline.

Labcorp Genetics (formerly Invitae), Labcorp
Classification: Uncertain significance. Last evaluated: 2022-10-04. Review status: criteria provided, single submitter. Criteria: Invitae Variant Classification Sherloc (09022015). Collection method: clinical testing. Allele origin: germline.
Comment: This sequence change replaces threonine, which is neutral and polar, with serine, which is neutral and polar, at codon 275 of the TYRP1 protein (p.Thr275Ser). This variant is present in population databases (rs182508840, gnomAD 0.2%). This variant has not been reported in the literature in individuals affected with TYRP1-related conditions. ClinVar contains an entry for this variant (Variation ID: 1378872). Advanced modeling of protein sequence and biophysical properties (such as structural, functional, and spatial information, amino acid conservation, physicochemical variation, residue mobility, and thermodynamic stability) performed at Invitae indicates that this missense variant is not expected to disrupt TYRP1 protein function. In summary, the available evidence is currently insufficient to determine the role of this variant in disease. Therefore, it has been classified as a Variant of Uncertain Significance.